The following is an entry in ClinVar:

ClinVar aggregate classification (germline): Pathogenic (1 of 4 stars; one submission).

Conditions:
Capillary malformation-arteriovenous malformation syndrome. Also called: Capillary malformation-arteriovenous malformation. Identifiers: Orphanet 137667, MedGen C1842180, MONDO:0012016.

Submission:

Labcorp Genetics (formerly Invitae), Labcorp
Classification: Pathogenic for Capillary malformation-arteriovenous malformation syndrome. Last evaluated: 2020-08-08. Review status: criteria provided, single submitter. Criteria: Invitae Variant Classification Sherloc (09022015). Collection method: clinical testing. Allele origin: germline.
Comment: This sequence change results in a premature translational stop signal in the RASA1 gene (p.Gly1017Valfs*7). While this is not anticipated to result in nonsense mediated decay, it is expected to disrupt the last 31 amino acids of the RASA1 protein. For these reasons, this variant has been classified as Pathogenic. This variant disrupts the C-terminus of the RASA1 protein. Other variant(s) that disrupt this region (p.Gln1019*) have been determined to be pathogenic (PMID: 24038909, 29120072, Invitae). This suggests that variants that disrupt this region of the protein are likely to be causative of disease. This variant has not been reported in the literature in individuals with RASA1-related conditions. This variant is not present in population databases (ExAC no frequency).

Literature cited by the submitters: PubMed 24038909; PubMed 29120072.

NM_002890.3(RASA1):c.3050del (p.Gly1017fs)

Genes: CCNH (cyclin H; minus strand), RASA1 (RAS p21 protein activator 1; plus strand). Cytogenetic location: 5q14.3.
Variant type: Deletion.
Coding change: c.3050del on transcript NM_002890.3 (MANE Select); coding-DNA position 3050, one base deleted (G; older notation c.3050delG).
Protein change: p.Gly1017fs; shifts the reading frame from glycine 1017.
Molecular consequence: frameshift variant. On other transcripts: intron variant (1).
Genome position (GRCh38, 1-based): chr5:87,389,517, G deleted; the last of 2 consecutive G bases (chr5:87,389,516-87,389,517); deleting either gives the same sequence. VCF-style (leftmost placement, unchanged base first): chr5-87389515-TG-T. GRCh37 (hg19) VCF-style: chr5-86685332-TG-T.
Other names: c.2519del, p.Gly840fs (NM_022650.3); c.933+5528del (NM_001364075.2); short protein forms G1017fs, G840fs.
Identifiers: ClinVar variation 1069799 (VCV001069799.10), dbSNP rs2112525375, ClinGen allele CA2499217976.
Genomic context (GRCh38, chr5:87,389,515, plus strand): 5'-AGCATTGCATGAGATTTGCGTGGCTCATTCAGATGAACTTCGAACGCTCAGTAATGAGCG[TG>T]GTGCACAGCAGGTAGGCTTTCGCCAGCCTTCATTAACAATGATGTTTCAAAGATAACACT-3'